The following is an entry in ClinVar:

ClinVar aggregate classification (germline): Uncertain significance. Review status: criteria provided, multiple submitters, no conflicts (2 of 4 stars). 2 submissions from 2 submitters: Uncertain significance (2). Last evaluated 2022-09-01.

Conditions:
Vitelliform macular dystrophy 2. Also called: MACULAR DEGENERATION, POLYMORPHIC VITELLINE; Best vitelliform macular dystrophy, multifocal; Best Macular Dystrophy; Best Vitelliform Macular Dystrophy (BVMD); VITELLIFORM MACULAR DYSTROPHY, EARLY-ONSET; VITELLIFORM MACULAR DYSTROPHY, JUVENILE-ONSET. Identifiers: Orphanet 1243, MedGen C2745945, MONDO:0007931, OMIM 153700.

Submissions (2):

3billion
Classification: Uncertain significance for Vitelliform macular dystrophy 2. Last evaluated: 2022-09-01. Review status: criteria provided, single submitter. Criteria: ACMG Guidelines, 2015. Collection method: clinical testing. Allele origin: germline. Affected: yes. Observed: 1 heterozygote.
Comment: The variant is not observed in the gnomAD v2.1.1 dataset. Missense changes are a common disease-causing mechanism. In silico tool predictions suggest damaging effect of the variant on gene or gene product (REVEL: 0.83; 3Cnet: 0.45). Therefore, this variant is classified as uncertain significance according to the recommendation of ACMG/AMP guideline.

Blueprint Genetics
Classification: Uncertain significance. Last evaluated: 2019-04-25. Review status: criteria provided, single submitter. Criteria: ACMG Guidelines, 2015. Collection method: clinical testing. Allele origin: germline.

NM_004183.4(BEST1):c.35C>G (p.Ala12Gly)

Gene: BEST1 (bestrophin 1; plus strand). Cytogenetic location: 11q12.3.
Variant type: single nucleotide variant.
Coding change: c.35C>G on transcript NM_004183.4 (MANE Select); coding-DNA position 35, C replaced by G.
Protein change: p.Ala12Gly; replaces alanine 12 with glycine.
Molecular consequence: missense variant. On other transcripts: non-coding transcript variant (1), intron variant (6).
Genome position (GRCh38, 1-based): chr11:61,951,841, C>G. VCF-style: chr11-61951841-C-G. GRCh37 (hg19) VCF-style: chr11-61719313-C-G.
Other names: c.35C>G, p.Ala12Gly (NM_001363592.2, NM_001440571.1, NM_001440572.1 and 1 more transcripts); c.-29+1414C>G (NM_001139443.3, NM_001300787.2, NM_001440574.1 and 3 more transcripts); short protein forms A12G.
Identifiers: ClinVar variation 865923 (VCV000865923.3), dbSNP rs1940692591, ClinGen allele CA380831179.